The following is an entry in ClinVar:

ClinVar aggregate classification (germline): Conflicting classifications of pathogenicity. Review status: criteria provided, conflicting classifications (1 of 4 stars). 3 submissions from 3 submitters: Uncertain significance (2); Likely benign (1). Last evaluated 2024-01-11.

Conditions:
Breast-ovarian cancer, familial, susceptibility to, 2 (BROVCA2). Also called: BRCA2 Hereditary Breast and Ovarian Cancer. Identifiers: Orphanet 145, MedGen C2675520, MONDO:0012933, OMIM 612555. Disease mechanism: loss of function.
Hereditary cancer-predisposing syndrome. Also called: Hereditary neoplastic syndrome; Hereditary Cancer Syndrome; Tumor predisposition; Neoplastic Syndromes, Hereditary. Identifiers: Orphanet 140162, MedGen C0027672, MeSH D009386, MONDO:0015356.

Submissions (3):

All of Us Research Program, National Institutes of Health
Classification: Uncertain significance for Breast-ovarian cancer, familial, susceptibility to, 2. Last evaluated: 2024-01-11. Review status: criteria provided, single submitter. Criteria: ACMG Guidelines, 2015. Collection method: clinical testing. Allele origin: germline. Inheritance: Autosomal dominant inheritance. Observed: 1 variant allele, 1 heterozygote.
Comment: This study involves interpretation of variants in research participants for the purpose of population health screening. Participant phenotype was not available at the time of variant classification. Additional details can be found in publication PMID: 35346344, PMCID: PMC8962531

University of Washington Department of Laboratory Medicine, University of Washington
Classification: Likely benign for Hereditary cancer-predisposing syndrome. Last evaluated: 2023-03-23. Review status: criteria provided, single submitter. Criteria: Dines et al. (Genet Med. 2020). Collection method: curation. Allele origin: germline.
Comment: Missense variant in a coldspot region where missense variants are very unlikely to be pathogenic (PMID:31911673).

BRCA2 exon 11 coldspot. Reclassification based on statistical prior probability.

GeneDx
Classification: Uncertain significance. Last evaluated: 2022-08-12. Review status: criteria provided, single submitter. Criteria: GeneDx Variant Classification Process June 2021. Collection method: clinical testing. Allele origin: germline. Affected: yes.
Comment: Not observed at significant frequency in large population cohorts (gnomAD); In silico analysis supports that this missense variant has a deleterious effect on protein structure/function; Has not been previously published as pathogenic or benign to our knowledge; Also known as 2386G>T

NM_000059.4(BRCA2):c.2158G>T (p.Asp720Tyr)

Gene: BRCA2 (BRCA2 DNA repair associated; plus strand). Cytogenetic location: 13q13.1.
Variant type: single nucleotide variant.
Coding change: c.2158G>T on transcript NM_000059.4 (MANE Select); coding-DNA position 2158, G replaced by T.
Protein change: p.Asp720Tyr; replaces aspartic acid 720 with tyrosine.
Molecular consequence: missense variant.
Genome position (GRCh38, 1-based): chr13:32,336,513, G>T. VCF-style: chr13-32336513-G-T. GRCh37 (hg19) VCF-style: chr13-32910650-G-T.
Other names: c.2158G>T, p.Asp720Tyr (NM_001406719.1, NM_001406720.1); short protein forms D720Y.
Identifiers: ClinVar variation 2429533 (VCV002429533.4), dbSNP rs2137483803, ClinGen allele CA387770232.
Genomic context (GRCh38, chr13:32,336,513, plus strand): 5'-TTATTTATTACCCCAGAAGCTGATTCTCTGTCATGCCTGCAGGAAGGACAGTGTGAAAAT[G>T]ATCCAAAAAGCAAAAAAGTTTCAGATATAAAAGAAGAGGTCTTGGCTGCAGCATGTCACC-3'
Protein context (NP_000050.3, residues 710-730): SCLQEGQCEN[Asp720Tyr]PKSKKVSDIK